The following is an entry in ClinVar:

NM_000046.5(ARSB):c.*3181T>G

Gene: ARSB (arylsulfatase B; minus strand). Cytogenetic location: 5q14.1.
Variant type: single nucleotide variant.
Coding change: c.*3181T>G on transcript NM_000046.5 (MANE Select); 3181 bases downstream of the stop codon, T replaced by G.
Molecular consequence: 3 prime UTR variant.
Genome position (GRCh38, 1-based): chr5:78,777,216, A>C on the plus strand (T>G on the coding strand, the complement: ARSB is on the minus strand). VCF-style: chr5-78777216-A-C. GRCh37 (hg19) VCF-style: chr5-78073039-A-C.
Identifiers: ClinVar variation 354256 (VCV000354256.6), dbSNP rs11750774, ClinGen allele CA10620805.

ClinVar aggregate classification (germline): Benign. Review status: criteria provided, multiple submitters, no conflicts (2 of 4 stars). 2 submissions from 2 submitters: Benign (2). Last evaluated 2018-01-13.

Conditions:
Mucopolysaccharidosis type 6 (MPS6). Also called: ARSB DEFICIENCY; ARYLSULFATASE B DEFICIENCY; MPS VI; N-ACETYLGALACTOSAMINE-4-SULFATASE DEFICIENCY; MPS 6; Maroteaux Lamy syndrome. Identifiers: Orphanet 583, MedGen C0026709, MONDO:0009661, OMIM 253200.

Allele frequency attached by ClinVar (database versions not stated): 1000 Genomes Project 0.07568; 1000 Genomes Project 30x 0.07620; TOPMed 0.08718; gnomAD 0.09828.

Submissions (2):

Illumina Laboratory Services, Illumina
Classification: Benign for Mucopolysaccharidosis type 6. Last evaluated: 2018-01-13. Review status: criteria provided, single submitter. Criteria: ICSL Variant Classification Criteria 13 December 2019. Collection method: clinical testing. Allele origin: germline.
Comment: This variant was observed in the ICSL laboratory as part of a predisposition screen in an ostensibly healthy population. It had not been previously curated by ICSL or reported in the Human Gene Mutation Database (HGMD: prior to June 1st, 2018), and was therefore a candidate for classification through an automated scoring system. Utilizing variant allele frequency, disease prevalence and penetrance estimates, and inheritance mode, an automated score was calculated to assess if this variant is too frequent to cause the disease. Based on the score and internal cut-off values, a variant classified as benign is not then subjected to further curation. The score for this variant resulted in a classification of benign for this disease.

Breakthrough Genomics
Classification: Benign. Review status: criteria provided, single submitter. Criteria: ACMG Guidelines, 2015. Collection method: not provided. Allele origin: germline. Inheritance: Autosomal recessive inheritance. Affected: yes.